The following is an entry in ClinVar:

NM_017802.4(DNAAF5):c.410C>T (p.Ala137Val)

Genes: DNAAF5 (dynein axonemal assembly factor 5; plus strand), PRKAR1B (protein kinase cAMP-dependent type I regulatory subunit beta; minus strand). Cytogenetic location: 7p22.3.
Variant type: single nucleotide variant.
Coding change: c.410C>T on transcript NM_017802.4 (MANE Select); coding-DNA position 410, C replaced by T.
Protein change: p.Ala137Val; replaces alanine 137 with valine.
Molecular consequence: missense variant. On other transcripts: non-coding transcript variant (1), intron variant (3).
Genome position (GRCh38, 1-based): chr7:727,130, C>T. VCF-style: chr7-727130-C-T. GRCh37 (hg19) VCF-style: chr7-766767-C-T.
Other names: c.-23+525G>A (NM_001164759.1); c.-23+460G>A (NM_001164758.2); c.-23+80G>A (NM_001164760.2); short protein forms A137V.
Identifiers: ClinVar variation 2917257 (VCV002917257.3), dbSNP rs1379663317, ClinGen allele CA366530544.

ClinVar aggregate classification (germline): Uncertain significance (1 of 4 stars; one submission).

Conditions:
Primary ciliary dyskinesia. Also called: Ciliary dyskinesia. Identifiers: Orphanet 244, MedGen C0008780, MONDO:0016575, HP:0012265.

gnomAD v4.1: 1 of 1,201,306 alleles (0.000083%); highest among the groups gnomAD compares: Non-Finnish European, 0.0001%; no homozygotes.

Submission:

Labcorp Genetics (formerly Invitae), Labcorp
Classification: Uncertain significance for Primary ciliary dyskinesia. Last evaluated: 2023-03-08. Review status: criteria provided, single submitter. Criteria: Invitae Variant Classification Sherloc (09022015). Collection method: clinical testing. Allele origin: germline.
Comment: This sequence change replaces alanine, which is neutral and non-polar, with valine, which is neutral and non-polar, at codon 137 of the DNAAF5 protein (p.Ala137Val). The frequency data for this variant in the population databases is considered unreliable, as metrics indicate insufficient coverage at this position in the gnomAD database. This variant has not been reported in the literature in individuals affected with DNAAF5-related conditions. Advanced modeling of protein sequence and biophysical properties (such as structural, functional, and spatial information, amino acid conservation, physicochemical variation, residue mobility, and thermodynamic stability) performed at Invitae indicates that this missense variant is not expected to disrupt DNAAF5 protein function. In summary, the available evidence is currently insufficient to determine the role of this variant in disease. Therefore, it has been classified as a Variant of Uncertain Significance.